The following is an entry in ClinVar:

NM_001384140.1(PCDH15):c.3936A>G (p.Ala1312=)

Gene: PCDH15 (protocadherin related 15; minus strand). Cytogenetic location: 10q21.1.
Variant type: single nucleotide variant.
Coding change: c.3936A>G on transcript NM_001384140.1 (MANE Select); coding-DNA position 3936, A replaced by G.
Protein change: p.Ala1312=; no amino-acid change (alanine 1312 retained).
Molecular consequence: synonymous variant.
Genome position (GRCh38, 1-based): chr10:53,840,367, T>C on the plus strand (A>G on the coding strand, the complement: PCDH15 is on the minus strand). VCF-style: chr10-53840367-T-C. GRCh37 (hg19) VCF-style: chr10-55600127-T-C.
Other names: c.3951A>G, p.Ala1317= (NM_001142763.2, NM_001142771.2); c.3936A>G, p.Ala1312= (NM_001142764.2, NM_001142766.2, NM_001142770.3 and 4 more transcripts); c.3723A>G, p.Ala1241= (NM_001142765.2); c.3825A>G, p.Ala1275= (NM_001142767.2); c.3870A>G, p.Ala1290= (NM_001142768.2, NM_001142773.2, NM_001354404.2); c.3972A>G, p.Ala1324= (NM_001142769.4); c.3957A>G, p.Ala1319= (NM_001354411.2).
Identifiers: ClinVar variation 96234 (VCV000096234.15), dbSNP rs398124433, ClinGen allele CA223847.

ClinVar aggregate classification (germline): Conflicting classifications of pathogenicity. Review status: criteria provided, conflicting classifications (1 of 4 stars). 5 submissions from 5 submitters: Uncertain significance (1); Likely benign (3). 1 of the submissions does not count toward it. Last evaluated 2024-01-07.

Conditions:
Usher syndrome type 1F (USH1F). Also called: USHER SYNDROME, TYPE IF. Identifiers: Orphanet 231169, Orphanet 886, MedGen C1865885, MONDO:0011186, OMIM 602083.

Allele frequency attached by ClinVar (database versions not stated): ExAC 0.00003; gnomAD exomes 0.00003 and 0.00008; gnomAD 0.00006; TOPMed 0.00006.
gnomAD v4.1: 125 of 1,614,028 alleles (0.0077%); highest among the groups gnomAD compares: African/African-American, 0.011%; no homozygotes.

Submissions (5):

Labcorp Genetics (formerly Invitae), Labcorp
Classification: Likely benign. Last evaluated: 2024-01-07. Review status: criteria provided, single submitter. Criteria: Invitae Variant Classification Sherloc (09022015). Collection method: clinical testing. Allele origin: germline.

Blueprint Genetics
Classification: Likely benign. Last evaluated: 2022-01-04. Review status: criteria provided, single submitter. Criteria: ACMG Guidelines, 2015. Collection method: clinical testing. Allele origin: germline.

GeneDx
Classification: Likely benign. Last evaluated: 2017-10-06. Review status: criteria provided, single submitter. Criteria: GeneDx Variant Classification (06012015). Collection method: clinical testing. Allele origin: germline. Affected: yes.
Comment: This variant is considered likely benign or benign based on one or more of the following criteria: it is a conservative change, it occurs at a poorly conserved position in the protein, it is predicted to be benign by multiple in silico algorithms, and/or has population frequency not consistent with disease.

Eurofins Ntd Llc (ga)
Classification: Uncertain significance. Last evaluated: 2013-08-20. Review status: criteria provided, single submitter. Criteria: EGL Classification Definitions 2015. Collection method: clinical testing. Allele origin: germline. Observed: 1 variant allele, 1 heterozygote.

Natera, Inc.
Classification: Likely benign for Usher syndrome type 1F. Last evaluated: 2020-12-09. Review status: no assertion criteria provided. Collection method: clinical testing. Allele origin: germline. Not counted in ClinVar's aggregate classification.